The following is an entry in ClinVar:

ClinVar aggregate classification (germline): Likely pathogenic (1 of 4 stars; one submission).

Conditions:
Hereditary cancer-predisposing syndrome. Also called: Hereditary Cancer Syndrome; Hereditary neoplastic syndrome; Neoplastic Syndromes, Hereditary; Tumor predisposition. Identifiers: Orphanet 140162, MedGen C0027672, MeSH D009386, MONDO:0015356.

Submission:

Ambry Genetics
Classification: Likely pathogenic for Hereditary cancer-predisposing syndrome. Last evaluated: 2021-10-17. Review status: criteria provided, single submitter. Criteria: Ambry Variant Classification Scheme 2023. Collection method: clinical testing. Allele origin: germline.
Comment: The p.H346D variant (also known as c.1036C>G), located in coding exon 8 of the BMPR1A gene, results from a C to G substitution at nucleotide position 1036. The histidine at codon 346 is replaced by aspartic acid, an amino acid with similar properties. This alteration has been observed in at least one individual with a personal and/or family history that is consistent with BMPR1A-related disease (Ambry internal data). The p.H346D alteration is located in a region that has a low rate of benign missense variation (Lek M et al. Nature. 2016 Aug 18;536(7616):285-91; DECIPHER: Database of Chromosomal Imbalance and Phenotype in Humans using Ensembl Resources. Firth H.V. et al. 2009. Am.J.Hum.Genet. 84, 524-533 (DOI)). This amino acid position is highly conserved in available vertebrate species. In addition, this alteration is predicted to be deleterious by in silico analysis. This variant is also considered to be rare based on population cohorts in the Genome Aggregation Database (gnomAD). Based on the majority of available evidence to date, this variant is likely to be pathogenic.

NM_004329.3(BMPR1A):c.1036C>G (p.His346Asp)

Gene: BMPR1A (bone morphogenetic protein receptor type 1A; plus strand). Cytogenetic location: 10q23.2.
Variant type: single nucleotide variant.
Coding change: c.1036C>G on transcript NM_004329.3 (MANE Select); coding-DNA position 1036, C replaced by G.
Protein change: p.His346Asp; replaces histidine 346 with aspartic acid.
Molecular consequence: missense variant.
Genome position (GRCh38, 1-based): chr10:86,919,339, C>G. VCF-style: chr10-86919339-C-G. GRCh37 (hg19) VCF-style: chr10-88679096-C-G.
Other names: c.1111C>G, p.His371Asp (NM_001406559.1); c.1084C>G, p.His362Asp (NM_001406560.1); c.1036C>G, p.His346Asp (NM_001406561.1, NM_001406562.1, NM_001406563.1 and 19 more transcripts); c.1030C>G, p.His344Asp (NM_001406583.1); c.952C>G, p.His318Asp (NM_001406584.1, NM_001406585.1, NM_001406586.1 and 2 more transcripts); c.694C>G, p.His232Asp (NM_001406589.1); short protein forms H232D, H318D, H344D, H346D, H362D, H371D.
Identifiers: ClinVar variation 1772655 (VCV001772655.2), dbSNP rs2539621087, ClinGen allele CA377460654.
Genomic context (GRCh38, chr10:86,919,339, plus strand): 5'-CTGGACACCAGAGCCCTGCTTAAATTGGCTTATTCAGCTGCCTGTGGTCTGTGCCACCTG[C>G]ACACAGAAATTTATGGCACCCAAGGAAAGCCCGCAATTGCTCATCGAGACCTAAAGAGCA-3'
Protein context (NP_004320.2, residues 336-356): YSAACGLCHL[His346Asp]TEIYGTQGKP